The following is an entry in ClinVar:

NM_001384474.1(LOXHD1):c.2767del (p.Leu923fs)

Gene: LOXHD1 (lipoxygenase homology PLAT domains 1; minus strand). Cytogenetic location: 18q21.1.
Variant type: Deletion.
Coding change: c.2767del on transcript NM_001384474.1 (MANE Select); coding-DNA position 2767, one base deleted (C; older notation c.2767delC).
Protein change: p.Leu923fs; shifts the reading frame from leucine 923.
Molecular consequence: frameshift variant.
Genome position (GRCh38, 1-based): chr18:46,560,377, G deleted on the plus strand (C on the coding strand, the reverse complement: LOXHD1 is on the minus strand). VCF-style (leftmost placement, unchanged base first): chr18-46560376-AG-A. GRCh37 (hg19) VCF-style: chr18-44140339-AG-A.
Other names: c.2767del, p.Leu923fs (NM_144612.7); short protein forms L923fs.
Identifiers: ClinVar variation 2815820 (VCV002815820.3), dbSNP rs1178577372, ClinGen allele CA629924407.

ClinVar aggregate classification (germline): Pathogenic (1 of 4 stars; one submission).

Allele frequency attached by ClinVar (database versions not stated): gnomAD exomes below 0.00001.

Submission:

Labcorp Genetics (formerly Invitae), Labcorp
Classification: Pathogenic. Last evaluated: 2022-11-23. Review status: criteria provided, single submitter. Criteria: Invitae Variant Classification Sherloc (09022015). Collection method: clinical testing. Allele origin: germline.
Comment: For these reasons, this variant has been classified as Pathogenic. This variant has not been reported in the literature in individuals affected with LOXHD1-related conditions. This variant is present in population databases (no rsID available, gnomAD 0.01%). This sequence change creates a premature translational stop signal (p.Leu923Cysfs*10) in the LOXHD1 gene. It is expected to result in an absent or disrupted protein product. Loss-of-function variants in LOXHD1 are known to be pathogenic (PMID: 19732867, 21465660, 25792669).

Literature cited by the submitters: PubMed 19732867; PubMed 21465660; PubMed 25792669.